The following is an entry in ClinVar:

ClinVar aggregate classification (germline): Uncertain significance (1 of 4 stars; one submission).

Submission:

Ambry Genetics
Classification: Uncertain significance. Last evaluated: 2025-12-12. Review status: criteria provided, single submitter. Criteria: Ambry Variant Classification Scheme 2023. Collection method: clinical testing. Allele origin: germline.
Comment: The c.240delAinsCT variant, located in coding exon 3 of the KIF1B gene, results from the deletion of one nucleotide and insertion of two nucleotides causing a translational frameshift with a predicted alternate stop codon (p.E80Dfs*8). The evidence for this gene-disease relationship is limited; therefore, the clinical significance of this alteration is unclear.

NM_001365951.3(KIF1B):c.240delinsCT (p.Glu80fs)

Gene: KIF1B (kinesin family member 1B; plus strand). Cytogenetic location: 1p36.22.
Variant type: Indel.
Coding change: c.240delinsCT on transcript NM_001365951.3 (MANE Select); coding-DNA position 240, A replaced by CT.
Protein change: p.Glu80fs; shifts the reading frame from glutamic acid 80.
Molecular consequence: frameshift variant.
Genome position (GRCh38, 1-based): chr1:10,258,549, A replaced by CT. VCF-style: chr1-10258549-A-CT. GRCh37 (hg19) VCF-style: chr1-10318607-A-CT.
Other names: c.240delinsCT, p.Glu80fs (NM_001365952.1, NM_001365953.1, NM_015074.3 and 1 more transcripts); c.240delAinsCT (NM_015074.3); short protein forms E80fs.
Identifiers: ClinVar variation 4543697 (VCV004543697.1).